The following is an entry in ClinVar:

ClinVar aggregate classification (germline): Uncertain significance (1 of 4 stars; one submission).

Submission:

Labcorp Genetics (formerly Invitae), Labcorp
Classification: Uncertain significance. Last evaluated: 2022-02-20. Review status: criteria provided, single submitter. Criteria: Invitae Variant Classification Sherloc (09022015). Collection method: clinical testing. Allele origin: germline.
Comment: Algorithms developed to predict the effect of missense changes on protein structure and function (SIFT, PolyPhen-2, Align-GVGD) all suggest that this variant is likely to be tolerated. In summary, the available evidence is currently insufficient to determine the role of this variant in disease. Therefore, it has been classified as a Variant of Uncertain Significance. This variant has not been reported in the literature in individuals affected with ICK-related conditions. This variant is not present in population databases (gnomAD no frequency). This sequence change replaces histidine, which is basic and polar, with leucine, which is neutral and non-polar, at codon 363 of the ICK protein (p.His363Leu).

NM_014920.5(CILK1):c.1088A>T (p.His363Leu)

Gene: CILK1 (ciliogenesis associated kinase 1; minus strand). Cytogenetic location: 6p12.1.
Variant type: single nucleotide variant.
Coding change: c.1088A>T on transcript NM_014920.5 (MANE Select); coding-DNA position 1088, A replaced by T.
Protein change: p.His363Leu; replaces histidine 363 with leucine.
Molecular consequence: missense variant. On other transcripts: non-coding transcript variant (1).
Genome position (GRCh38, 1-based): chr6:53,013,726, T>A on the plus strand (A>T on the coding strand, the complement: CILK1 is on the minus strand). VCF-style: chr6-53013726-T-A. GRCh37 (hg19) VCF-style: chr6-52878524-T-A.
Other names: c.1088A>T, p.His363Leu (NM_001375397.1, NM_001375398.1, NM_001375399.1 and 4 more transcripts); short protein forms H363L.
Identifiers: ClinVar variation 1680548 (VCV001680548.8), dbSNP rs775135217, ClinGen allele CA364468608.